The following is an entry in ClinVar:

NC_000004.12:g.107989738A>T

Genes: HADH (hydroxyacyl-CoA dehydrogenase; plus strand), LOC129992931 (ATAC-STARR-seq lymphoblastoid silent region 15614; plus strand). Cytogenetic location: 4q25.
Variant type: single nucleotide variant.
Genome position: GRCh38 VCF-style: chr4-107989738-A-T. GRCh37 (hg19) VCF-style: chr4-108910894-A-T.
Identifiers: ClinVar variation 2498224 (VCV002498224.1), dbSNP rs886058979, ClinGen allele CA102860401.
Genomic context (GRCh38, chr4:107,989,738, plus strand): 5'-ACTCGGGCTCCGGCTGCTGACAGCTGCGAGCCCGCGCGTGTATACCCGCTCAACGCTGGG[A>T]CGTTACAGCCAGGGCCAATGGGCAGAGCGGGACTCGAGGCCCCGCCCCCGCCTTGTGGCG-3'

ClinVar aggregate classification (germline): Likely benign (1 of 4 stars; one submission).

Conditions:
Hyperinsulinemic hypoglycemia. Also called: Hyperinsulinemic hypoglycemia (disease); Hyperinsulinemia hypoglycemia. Identifiers: Orphanet 443095, MedGen C1864903, MONDO:0005803, HP:0000825.

Allele frequency attached by ClinVar (database versions not stated): 1000 Genomes Project 30x 0.00016.

Submission:

Clinical Genomics, Uppaluri K&H Personalized Medicine Clinic
Classification: Likely benign for Hyperinsulinemic hypoglycemia. Review status: criteria provided, single submitter. Criteria: K & H Uppaluri Personalized Medicine Clinic Variant Classification & Assertion Criteria_Updated V.1. Collection method: research. Allele origin: unknown. Inheritance: Autosomal recessive inheritance.
Comment: Potent mutations in HADH gene are associated with congenital hyperinsulinism, which leads to recurrent hypoglycemia. The condition is exacerbated by stress, fasting or excessive dietary protein. May respond well to diazoxide. However, the role of this particular variant rs886058979 in congenital hyperinsulinism is yet to be ascertained.

Literature cited by the submitters: PubMed 34547194; PubMed 34055426; PubMed 29280746.